The following is an entry in ClinVar:

ClinVar aggregate classification (germline): Uncertain significance (1 of 4 stars; one submission).

Conditions:
Hereditary breast ovarian cancer syndrome. Also called: Hereditary breast and ovarian cancer syndrome; Hereditary breast and/or ovarian cancer syndrome; BRCA1- and BRCA2-Associated Hereditary Breast and Ovarian Cancer; Hereditary breast and ovarian cancer; Breast and ovarian cancer; Hereditary breast and ovarian cancer syndrome (HBOC). Identifiers: Orphanet 145, MedGen C0677776, MeSH D061325, MONDO:0003582. Disease mechanism: loss of function.

Submission:

Labcorp Genetics (formerly Invitae), Labcorp
Classification: Uncertain significance for Hereditary breast ovarian cancer syndrome. Last evaluated: 2024-09-25. Review status: criteria provided, single submitter. Criteria: Invitae Variant Classification Sherloc (09022015). Collection method: clinical testing. Allele origin: germline.
Comment: This sequence change replaces asparagine, which is neutral and polar, with aspartic acid, which is acidic and polar, at codon 2879 of the BRCA2 protein (p.Asn2879Asp). This variant is not present in population databases (gnomAD no frequency). This variant has not been reported in the literature in individuals affected with BRCA2-related conditions. An algorithm developed to predict the effect of missense changes on protein structure and function outputs the following: PolyPhen-2: "Benign". The aspartic acid amino acid residue is found in multiple mammalian species, which suggests that this missense change does not adversely affect protein function. Algorithms developed to predict the effect of sequence changes on RNA splicing suggest that this variant may create or strengthen a splice site. In summary, the available evidence is currently insufficient to determine the role of this variant in disease. Therefore, it has been classified as a Variant of Uncertain Significance.

NM_000059.4(BRCA2):c.8635A>G (p.Asn2879Asp)

Gene: BRCA2 (BRCA2 DNA repair associated; plus strand). Cytogenetic location: 13q13.1.
Variant type: single nucleotide variant.
Coding change: c.8635A>G on transcript NM_000059.4 (MANE Select); coding-DNA position 8635, A replaced by G.
Protein change: p.Asn2879Asp; replaces asparagine 2879 with aspartic acid.
Molecular consequence: missense variant. On other transcripts: non-coding transcript variant (1).
Genome position (GRCh38, 1-based): chr13:32,376,672, A>G. VCF-style: chr13-32376672-A-G. GRCh37 (hg19) VCF-style: chr13-32950809-A-G.
Other names: c.8539A>G, p.Asn2847Asp (NM_001406719.1); c.8635A>G, p.Asn2879Asp (NM_001406720.1, NM_001432077.1); c.3703A>G, p.Asn1235Asp (NM_001406721.1); c.2218A>G, p.Asn740Asp (NM_001406722.1); short protein forms N1235D, N2879D, N2847D, N740D.
Identifiers: ClinVar variation 3706393 (VCV003706393.2).